The following is an entry in ClinVar:

NM_005228.5(EGFR):c.3521A>G (p.Gln1174Arg)

Gene: EGFR (epidermal growth factor receptor; plus strand). Cytogenetic location: 7p11.2.
Variant type: single nucleotide variant.
Coding change: c.3521A>G on transcript NM_005228.5 (MANE Select); coding-DNA position 3521, A replaced by G.
Protein change: p.Gln1174Arg; replaces glutamine 1174 with arginine.
Molecular consequence: missense variant.
Genome position (GRCh38, 1-based): chr7:55,205,505, A>G. VCF-style: chr7-55205505-A-G. GRCh37 (hg19) VCF-style: chr7-55273198-A-G.
Other names: c.3386A>G, p.Gln1129Arg (NM_001346899.2); c.3362A>G, p.Gln1121Arg (NM_001346900.2); c.2720A>G, p.Gln907Arg (NM_001346941.2); short protein forms Q1121R, Q1129R, Q1174R, Q907R.
Identifiers: ClinVar variation 1062284 (VCV001062284.9), dbSNP rs2128975518, ClinGen allele CA367584809.

ClinVar aggregate classification (germline): Uncertain significance (1 of 4 stars; one submission).

Conditions:
EGFR-related lung cancer (EGFR). Identifiers: MedGen CN130014.

Submission:

Labcorp Genetics (formerly Invitae), Labcorp
Classification: Uncertain significance for EGFR-related lung cancer. Last evaluated: 2021-07-13. Review status: criteria provided, single submitter. Criteria: Invitae Variant Classification Sherloc (09022015). Collection method: clinical testing. Allele origin: germline.
Comment: This sequence change replaces glutamine with arginine at codon 1174 of the EGFR protein (p.Gln1174Arg). The glutamine residue is moderately conserved and there is a small physicochemical difference between glutamine and arginine. This variant is not present in population databases (ExAC no frequency). This variant has not been reported in the literature in individuals with EGFR-related conditions. Algorithms developed to predict the effect of missense changes on protein structure and function are either unavailable or do not agree on the potential impact of this missense change (SIFT: "Tolerated"; PolyPhen-2: "Probably Damaging"; Align-GVGD: "Class C0"). In summary, the available evidence is currently insufficient to determine the role of this variant in disease. Therefore, it has been classified as a Variant of Uncertain Significance.